The following is an entry in ClinVar:

NM_003070.5(SMARCA2):c.1806C>T (p.Thr602=)

Gene: SMARCA2 (SWI/SNF related BAF chromatin remodeling complex subunit ATPase 2; plus strand). Cytogenetic location: 9p24.3.
Variant type: single nucleotide variant.
Coding change: c.1806C>T on transcript NM_003070.5 (MANE Select); coding-DNA position 1806, C replaced by T.
Protein change: p.Thr602=; no amino-acid change (threonine 602 retained).
Molecular consequence: synonymous variant.
Genome position (GRCh38, 1-based): chr9:2,073,271, C>T. VCF-style: chr9-2073271-C-T. GRCh37 (hg19) VCF-style: chr9-2073271-C-T.
Other names: c.1806C>T, p.Thr602= (NM_001289396.2, NM_001289397.2, NM_139045.4).
Identifiers: ClinVar variation 366208 (VCV000366208.20), dbSNP rs202136878, ClinGen allele CA4963281.

ClinVar aggregate classification (germline): Benign/Likely benign. Review status: criteria provided, multiple submitters, no conflicts (2 of 4 stars). 7 submissions from 7 submitters: Benign (4); Likely benign (3). Last evaluated 2026-02-01.

Conditions:
Nicolaides-Baraitser syndrome (NCBRS). Also called: Intellectual disability-sparse hair-brachydactyly syndrome; SMARCA2-Related Nicolaides-Baraitser Syndrome. Identifiers: Orphanet 3051, MedGen C1303073, MONDO:0011053, OMIM 601358.
Inborn genetic diseases. Identifiers: MedGen C0950123, MeSH D030342.

Allele frequency attached by ClinVar (database versions not stated): gnomAD exomes 0.00013 and 0.00056; ESP Exome Variant Server 0.00015; gnomAD 0.00036; ExAC 0.00052; TOPMed 0.00054; 1000 Genomes Project 30x 0.00062; 1000 Genomes Project 0.00080.
gnomAD v4.1: 267 of 1,614,058 alleles (0.017%); highest among the groups gnomAD compares: East Asian, 0.42%; no homozygotes.

Submissions (7):

CeGaT Center for Human Genetics Tuebingen
Classification: Likely benign. Last evaluated: 2026-02-01. Review status: criteria provided, single submitter. Criteria: CeGaT Center For Human Genetics Tuebingen Variant Classification Criteria Version 2. Collection method: clinical testing. Allele origin: germline. Affected: yes. Observed: 1 variant allele.
Comment: SMARCA2: BP4, BP7, BS1

Labcorp Genetics (formerly Invitae), Labcorp
Classification: Benign. Last evaluated: 2026-01-06. Review status: criteria provided, single submitter. Criteria: Invitae Variant Classification Sherloc (09022015). Collection method: clinical testing. Allele origin: germline.

Blueprint Genetics
Classification: Likely benign. Last evaluated: 2024-10-28. Review status: criteria provided, single submitter. Criteria: ACMG Guidelines, 2015. Collection method: clinical testing. Allele origin: germline.

GeneDx
Classification: Benign. Last evaluated: 2021-06-30. Review status: criteria provided, single submitter. Criteria: GeneDx Variant Classification Process June 2021. Collection method: clinical testing. Allele origin: germline. Affected: yes.

Genetic Services Laboratory, University of Chicago
Classification: Benign. Last evaluated: 2019-05-15. Review status: criteria provided, single submitter. Criteria: ACMG Guidelines, 2015. Collection method: clinical testing. Allele origin: germline. Affected: no.

Ambry Genetics
Classification: Likely benign for Inborn genetic diseases. Last evaluated: 2018-01-31. Review status: criteria provided, single submitter. Criteria: Ambry Variant Classification Scheme 2023. Collection method: clinical testing. Allele origin: germline.

Illumina Laboratory Services, Illumina
Classification: Benign for Nicolaides-Baraitser syndrome. Last evaluated: 2018-01-13. Review status: criteria provided, single submitter. Criteria: ICSL Variant Classification Criteria 13 December 2019. Collection method: clinical testing. Allele origin: germline.
Comment: This variant was observed in the ICSL laboratory as part of a predisposition screen in an ostensibly healthy population. It had not been previously curated by ICSL or reported in the Human Gene Mutation Database (HGMD: prior to June 1st, 2018), and was therefore a candidate for classification through an automated scoring system. Utilizing variant allele frequency, disease prevalence and penetrance estimates, and inheritance mode, an automated score was calculated to assess if this variant is too frequent to cause the disease. Based on the score and internal cut-off values, a variant classified as benign is not then subjected to further curation. The score for this variant resulted in a classification of benign for this disease.